The following is an entry in ClinVar:

ClinVar aggregate classification (germline): Uncertain significance (0 of 4 stars; one submission).

Submission:

Department of Pathology and Laboratory Medicine, Sinai Health System
Classification: Uncertain significance. Review status: no assertion criteria provided. Collection method: clinical testing. Allele origin: unknown. Affected: yes. Study: The Canadian Open Genetics Repository (COGR).
Comment: The LAMA2 p.Leu1299Phe variant was not identified in the literature nor was it identified in dbSNP, ClinVar, Cosmic or LOVD 3.0. The variant was not identified in the following control databases: the 1000 Genomes Project, the NHLBI GO Exome Sequencing Project, the Exome Aggregation Consortium (August 8th 2016), or the Genome Aggregation Database (Feb 27, 2017). The variant occurs outside of the splicing consensus sequence and in silico or computational prediction software programs (SpliceSiteFinder, MaxEntScan, NNSPLICE, GeneSplicer) do not predict a difference in splicing. The p.Leu1299 residue is conserved in mammals but not in distantly related organisms and computational analyses (PolyPhen-2, SIFT, AlignGVGD, BLOSUM, MutationTaster) provide inconsistent predictions regarding the impact to the protein; this information is not very predictive of pathogenicity. In summary, based on the above information the clinical significance of this variant cannot be determined with certainty at this time. This variant is classified as a variant of uncertain significance.

NM_000426.4(LAMA2):c.3897G>T (p.Leu1299Phe)

Gene: LAMA2 (laminin subunit alpha 2; plus strand). Cytogenetic location: 6q22.33.
Variant type: single nucleotide variant.
Coding change: c.3897G>T on transcript NM_000426.4 (MANE Select); coding-DNA position 3897, G replaced by T.
Protein change: p.Leu1299Phe; replaces leucine 1299 with phenylalanine.
Molecular consequence: missense variant.
Genome position (GRCh38, 1-based): chr6:129,315,923, G>T. VCF-style: chr6-129315923-G-T. GRCh37 (hg19) VCF-style: chr6-129637068-G-T.
Other names: c.3897G>T, p.Leu1299Phe (NM_001079823.2); short protein forms L1299F.
Identifiers: ClinVar variation 1049009 (VCV001049009.1), dbSNP rs1774573110, ClinGen allele CA365613506.